The following is an entry in ClinVar:

ClinVar aggregate classification (germline): Uncertain significance. Review status: criteria provided, multiple submitters, no conflicts (2 of 4 stars). 2 submissions from 2 submitters: Uncertain significance (2). Last evaluated 2025-12-08.

Conditions:
Hereditary cancer-predisposing syndrome. Also called: Hereditary neoplastic syndrome; Neoplastic Syndromes, Hereditary; Hereditary Cancer Syndrome; Tumor predisposition. Identifiers: Orphanet 140162, MedGen C0027672, MeSH D009386, MONDO:0015356.

gnomAD v4.1: 1 of 1,502,908 alleles (0.000067%); no homozygotes.

Submissions (2):

Labcorp Genetics (formerly Invitae), Labcorp
Classification: Uncertain significance. Last evaluated: 2025-12-08. Review status: criteria provided, single submitter. Criteria: Invitae Variant Classification Sherloc (09022015). Collection method: clinical testing. Allele origin: germline.
Comment: This sequence change replaces glycine, which is neutral and non-polar, with alanine, which is neutral and non-polar, at codon 14 of the POLE protein (p.Gly14Ala). This variant is not present in population databases (gnomAD no frequency). This variant has not been reported in the literature in individuals affected with POLE-related conditions. ClinVar contains an entry for this variant (Variation ID: 2166801). An algorithm developed to predict the effect of missense changes on protein structure and function (PolyPhen-2) suggests that this variant is likely to be tolerated. In summary, the available evidence is currently insufficient to determine the role of this variant in disease. Therefore, it has been classified as a Variant of Uncertain Significance.

Ambry Genetics
Classification: Uncertain significance for Hereditary cancer-predisposing syndrome. Last evaluated: 2025-02-26. Review status: criteria provided, single submitter. Criteria: Ambry Variant Classification Scheme 2023. Collection method: clinical testing. Allele origin: germline.
Comment: The p.G14A variant (also known as c.41G>C), located in coding exon 1 of the POLE gene, results from a G to C substitution at nucleotide position 41. The glycine at codon 14 is replaced by alanine, an amino acid with similar properties. This amino acid position is conserved. In addition, this alteration is predicted to be tolerated by in silico analysis. Based on the available evidence, the clinical significance of this variant remains unclear.

NM_006231.4(POLE):c.41G>C (p.Gly14Ala)

Genes: POLE (DNA polymerase epsilon, catalytic subunit; minus strand), LOC130009266 (ATAC-STARR-seq lymphoblastoid silent region 5123; plus strand). Cytogenetic location: 12q24.33.
Variant type: single nucleotide variant.
Coding change: c.41G>C on transcript NM_006231.4 (MANE Select); coding-DNA position 41, G replaced by C.
Protein change: p.Gly14Ala; replaces glycine 14 with alanine.
Molecular consequence: missense variant.
Genome position (GRCh38, 1-based): chr12:132,687,275, C>G on the plus strand (G>C on the coding strand, the complement: POLE is on the minus strand). VCF-style: chr12-132687275-C-G. GRCh37 (hg19) VCF-style: chr12-133263861-C-G.
Other names: c.41G>C (NM_006231.2); short protein forms G14A.
Identifiers: ClinVar variation 2166801 (VCV002166801.5), dbSNP rs1052196814, ClinGen allele CA387373385.